The following is an entry in ClinVar:

NM_006922.4(SCN3A):c.1886G>T (p.Ser629Ile)

Gene: SCN3A (sodium voltage-gated channel alpha subunit 3; minus strand). Cytogenetic location: 2q24.3.
Variant type: single nucleotide variant.
Coding change: c.1886G>T on transcript NM_006922.4 (MANE Select); coding-DNA position 1886, G replaced by T.
Protein change: p.Ser629Ile; replaces serine 629 with isoleucine.
Molecular consequence: missense variant. On other transcripts: intron variant (2).
Genome position (GRCh38, 1-based): chr2:165,140,784, C>A on the plus strand (G>T on the coding strand, the complement: SCN3A is on the minus strand). VCF-style: chr2-165140784-C-A. GRCh37 (hg19) VCF-style: chr2-165997294-C-A.
Other names: c.1872+14G>T (NM_001081677.2, NM_001081676.2); short protein forms S629I.
Identifiers: ClinVar variation 1718649 (VCV001718649.5), dbSNP rs1406229967, ClinGen allele CA349046398.

ClinVar aggregate classification (germline): Uncertain significance (1 of 4 stars; one submission).

Submission:

Labcorp Genetics (formerly Invitae), Labcorp
Classification: Uncertain significance. Last evaluated: 2022-07-19. Review status: criteria provided, single submitter. Criteria: Invitae Variant Classification Sherloc (09022015). Collection method: clinical testing. Allele origin: germline.
Comment: In summary, the available evidence is currently insufficient to determine the role of this variant in disease. Therefore, it has been classified as a Variant of Uncertain Significance. Algorithms developed to predict the effect of sequence changes on RNA splicing suggest that this variant may disrupt the consensus splice site. Algorithms developed to predict the effect of missense changes on protein structure and function are either unavailable or do not agree on the potential impact of this missense change (SIFT: "Deleterious"; PolyPhen-2: "Possibly Damaging"; Align-GVGD: "Class C0"). This variant has not been reported in the literature in individuals affected with SCN3A-related conditions. This variant is not present in population databases (gnomAD no frequency). This sequence change replaces serine, which is neutral and polar, with isoleucine, which is neutral and non-polar, at codon 629 of the SCN3A protein (p.Ser629Ile).